The following is an entry in ClinVar:

ClinVar aggregate classification (germline): Uncertain significance (1 of 4 stars; one submission).

Submission:

Labcorp Genetics (formerly Invitae), Labcorp
Classification: Uncertain significance. Last evaluated: 2024-10-15. Review status: criteria provided, single submitter. Criteria: Invitae Variant Classification Sherloc (09022015). Collection method: clinical testing. Allele origin: germline.
Comment: This sequence change replaces aspartic acid, which is acidic and polar, with glycine, which is neutral and non-polar, at codon 290 of the ZBTB18 protein (p.Asp290Gly). This variant is not present in population databases (gnomAD no frequency). This variant has not been reported in the literature in individuals affected with ZBTB18-related conditions. An algorithm developed to predict the effect of missense changes on protein structure and function (PolyPhen-2) suggests that this variant is likely to be tolerated. In summary, the available evidence is currently insufficient to determine the role of this variant in disease. Therefore, it has been classified as a Variant of Uncertain Significance.

NM_205768.3(ZBTB18):c.869A>G (p.Asp290Gly)

Gene: ZBTB18 (zinc finger and BTB domain containing 18; plus strand). Cytogenetic location: 1q44.
Variant type: single nucleotide variant.
Coding change: c.869A>G on transcript NM_205768.3 (MANE Select); coding-DNA position 869, A replaced by G.
Protein change: p.Asp290Gly; replaces aspartic acid 290 with glycine.
Molecular consequence: missense variant. On other transcripts: 3 prime UTR variant (1).
Genome position (GRCh38, 1-based): chr1:244,054,643, A>G. VCF-style: chr1-244054643-A-G. GRCh37 (hg19) VCF-style: chr1-244217945-A-G.
Other names: c.842A>G, p.Asp281Gly (NM_001278196.2, NM_006352.5); c.*46A>G (NM_001421566.1); short protein forms D281G, D290G.
Identifiers: ClinVar variation 3722932 (VCV003722932.2).